The following is an entry in ClinVar:

ClinVar aggregate classification (germline): Uncertain significance (1 of 4 stars; one submission).

Allele frequency attached by ClinVar (database versions not stated): gnomAD 0.00001; TOPMed 0.00002.
gnomAD v4.1: 2 of 1,613,428 alleles (0.00012%); highest among the groups gnomAD compares: African/African-American, 0.0027%; no homozygotes.

Submission:

GeneDx
Classification: Uncertain significance. Last evaluated: 2021-01-12. Review status: criteria provided, single submitter. Criteria: GeneDx Variant Classification Process June 2021. Collection method: clinical testing. Allele origin: germline. Affected: yes.
Comment: Not observed at a significant frequency in large population cohorts (Lek et al., 2016); Has not been previously published as pathogenic or benign to our knowledge; In-silico analysis, which includes splice predictors and evolutionary conservation, is inconclusive as to whether the variant alters gene splicing. In the absence of RNA/functional studies, the actual effect of this sequence change is unknown.

NM_005559.4(LAMA1):c.588+5G>A

Gene: LAMA1 (laminin subunit alpha 1; minus strand). Cytogenetic location: 18p11.31.
Variant type: single nucleotide variant.
Coding change: c.588+5G>A on transcript NM_005559.4 (MANE Select); 5 bases into the intron after coding-DNA position 588, G replaced by A.
Molecular consequence: intron variant.
Genome position (GRCh38, 1-based): chr18:7,050,689, C>T on the plus strand (G>A on the coding strand, the complement: LAMA1 is on the minus strand). VCF-style: chr18-7050689-C-T. GRCh37 (hg19) VCF-style: chr18-7050688-C-T.
Identifiers: ClinVar variation 1304399 (VCV001304399.2), dbSNP rs752701816, ClinGen allele CA8883261.